The following is an entry in ClinVar:

NM_000268.4(NF2):c.23G>A (p.Arg8His)

Gene: NF2 (NF2, moesin-ezrin-radixin like (MERLIN) tumor suppressor; plus strand). Cytogenetic location: 22q12.2.
Variant type: single nucleotide variant.
Coding change: c.23G>A on transcript NM_000268.4 (MANE Select); coding-DNA position 23, G replaced by A.
Protein change: p.Arg8His; replaces arginine 8 with histidine.
Molecular consequence: missense variant. On other transcripts: non-coding transcript variant (1).
Genome position (GRCh38, 1-based): chr22:29,604,021, G>A. VCF-style: chr22-29604021-G-A. GRCh37 (hg19) VCF-style: chr22-30000010-G-A.
Other names: c.-208G>A (NM_001407053.1, NM_001407056.1); c.23G>A, p.Arg8His (NM_001407054.1, NM_001407055.1, NM_001407057.1 and 15 more transcripts); c.-618G>A (NM_001407065.1); c.-234G>A (NM_001407067.1); short protein forms R8H.
Identifiers: ClinVar variation 1790716 (VCV001790716.4), dbSNP rs775564806, ClinGen allele CA411145795.

ClinVar aggregate classification (germline): Uncertain significance. Review status: criteria provided, multiple submitters, no conflicts (2 of 4 stars). 2 submissions from 2 submitters: Uncertain significance (2). Last evaluated 2024-05-09.

Conditions:
Hereditary cancer-predisposing syndrome. Also called: Tumor predisposition; Neoplastic Syndromes, Hereditary; Hereditary Cancer Syndrome; Hereditary neoplastic syndrome. Identifiers: Orphanet 140162, MedGen C0027672, MeSH D009386, MONDO:0015356.
Neurofibromatosis, type 2 (SWNV). Also called: NF2-Related Schwannomatosis; SCHWANNOMATOSIS, VESTIBULAR; BILATERAL ACOUSTIC NEUROFIBROMATOSIS. Identifiers: Orphanet 637, MedGen C0027832, MONDO:0007039, OMIM 101000. Disease mechanism: loss of function.

Allele frequency attached by ClinVar (database versions not stated): TOPMed below 0.00001.

Submissions (2):

All of Us Research Program, National Institutes of Health
Classification: Uncertain significance for Neurofibromatosis, type 2. Last evaluated: 2024-05-09. Review status: criteria provided, single submitter. Criteria: ACMG Guidelines, 2015. Collection method: clinical testing. Allele origin: germline. Inheritance: Autosomal dominant inheritance. Observed: 4 variant alleles, 4 heterozygotes.
Comment: This study involves interpretation of variants in research participants for the purpose of population health screening. Participant phenotype was not available at the time of variant classification. Additional details can be found in publication PMID: 35346344, PMCID: PMC8962531

Ambry Genetics
Classification: Uncertain significance for Hereditary cancer-predisposing syndrome. Last evaluated: 2022-02-15. Review status: criteria provided, single submitter. Criteria: Ambry Variant Classification Scheme 2023. Collection method: clinical testing. Allele origin: germline.
Comment: The p.R8H variant (also known as c.23G>A), located in coding exon 1 of the NF2 gene, results from a G to A substitution at nucleotide position 23. The arginine at codon 8 is replaced by histidine, an amino acid with highly similar properties. This amino acid position is conserved. In addition, the in silico prediction for this alteration is inconclusive. Since supporting evidence is limited at this time, the clinical significance of this alteration remains unclear.